The following is an entry in ClinVar:

NM_213595.4(ISCU):c.22C>A (p.Arg8Ser)

Gene: ISCU (iron-sulfur cluster assembly enzyme; plus strand). Cytogenetic location: 12q23.3.
Variant type: single nucleotide variant.
Coding change: c.22C>A on transcript NM_213595.4 (MANE Select); coding-DNA position 22, C replaced by A.
Protein change: p.Arg8Ser; replaces arginine 8 with serine.
Molecular consequence: missense variant. On other transcripts: 5 prime UTR variant (1), non-coding transcript variant (1).
Genome position (GRCh38, 1-based): chr12:108,562,644, C>A. VCF-style: chr12-108562644-C-A. GRCh37 (hg19) VCF-style: chr12-108956420-C-A.
Other names: c.22C>A, p.Arg8Ser (NM_001301140.1, NM_001301141.1, NM_001320042.1); c.-150C>A (NM_014301.4); short protein forms R8S.
Identifiers: ClinVar variation 1493236 (VCV001493236.6), dbSNP rs11548233, ClinGen allele CA243320016.

ClinVar aggregate classification (germline): Uncertain significance (1 of 4 stars; one submission).

Allele frequency attached by ClinVar (database versions not stated): 1000 Genomes Project 30x 0.00016.
gnomAD v4.1: 7 of 1,482,142 alleles (0.00047%); highest among the groups gnomAD compares: East Asian, 0.0028%; no homozygotes.

Submission:

Labcorp Genetics (formerly Invitae), Labcorp
Classification: Uncertain significance. Last evaluated: 2024-05-08. Review status: criteria provided, single submitter. Criteria: Invitae Variant Classification Sherloc (09022015). Collection method: clinical testing. Allele origin: germline.
Comment: This sequence change replaces arginine, which is basic and polar, with serine, which is neutral and polar, at codon 8 of the ISCU protein (p.Arg8Ser). This variant is not present in population databases (gnomAD no frequency). This variant has not been reported in the literature in individuals affected with ISCU-related conditions. ClinVar contains an entry for this variant (Variation ID: 1493236). Experimental studies and prediction algorithms are not available or were not evaluated, and the functional significance of this variant is currently unknown. In summary, the available evidence is currently insufficient to determine the role of this variant in disease. Therefore, it has been classified as a Variant of Uncertain Significance.